The following is an entry in ClinVar:

ClinVar aggregate classification (germline): Benign/Likely benign. Review status: criteria provided, multiple submitters, no conflicts (2 of 4 stars). 3 submissions from 3 submitters: Benign (2); Likely benign (1). Last evaluated 2025-10-02.

Allele frequency attached by ClinVar (database versions not stated): gnomAD exomes 0.00028; gnomAD 0.00064; TOPMed 0.00072; 1000 Genomes Project 30x 0.00104.
gnomAD v4.1: 357 of 1,078,814 alleles (0.033%); highest among the groups gnomAD compares: Middle Eastern, 0.4%; 1 homozygote.

Submissions (3):

Labcorp Genetics (formerly Invitae), Labcorp
Classification: Benign. Last evaluated: 2025-10-02. Review status: criteria provided, single submitter. Criteria: Invitae Variant Classification Sherloc (09022015). Collection method: clinical testing. Allele origin: germline.

Blueprint Genetics
Classification: Benign. Last evaluated: 2024-11-07. Review status: criteria provided, single submitter. Criteria: ACMG Guidelines, 2015. Collection method: clinical testing. Allele origin: germline.

CeGaT Center for Human Genetics Tuebingen
Classification: Likely benign. Last evaluated: 2023-05-01. Review status: criteria provided, single submitter. Criteria: CeGaT Center For Human Genetics Tuebingen Variant Classification Criteria Version 2. Collection method: clinical testing. Allele origin: germline. Affected: yes. Observed: 1 variant allele.
Comment: CCNQ: BS2

NM_152274.5(CCNQ):c.28G>T (p.Gly10Trp)

Genes: CCNQ (cyclin Q; minus strand), LOC130068825 (ATAC-STARR-seq lymphoblastoid silent region 21064; plus strand). Cytogenetic location: Xq28.
Variant type: single nucleotide variant.
Coding change: c.28G>T on transcript NM_152274.5 (MANE Select); coding-DNA position 28, G replaced by T.
Protein change: p.Gly10Trp; replaces glycine 10 with tryptophan.
Molecular consequence: missense variant.
Genome position (GRCh38, 1-based): chrX:153,599,046, C>A on the plus strand (G>T on the coding strand, the complement: CCNQ is on the minus strand). VCF-style: chrX-153599046-C-A. GRCh37 (hg19) VCF-style: chrX-152864503-C-A.
Other names: c.28G>T, p.Gly10Trp (NM_001130997.3); short protein forms G10W.
Identifiers: ClinVar variation 2183436 (VCV002183436.29), dbSNP rs781939131, ClinGen allele CA337228324.